The following is an entry in ClinVar:

ClinVar aggregate classification (germline): Uncertain significance (1 of 4 stars; one submission).

Submission:

Labcorp Genetics (formerly Invitae), Labcorp
Classification: Uncertain significance. Last evaluated: 2022-07-05. Review status: criteria provided, single submitter. Criteria: Invitae Variant Classification Sherloc (09022015). Collection method: clinical testing. Allele origin: germline.
Comment: This sequence change falls in intron 14 of the TUBGCP4 gene. It does not directly change the encoded amino acid sequence of the TUBGCP4 protein. It affects a nucleotide within the consensus splice site. This variant is not present in population databases (gnomAD no frequency). This variant has not been reported in the literature in individuals affected with TUBGCP4-related conditions. ClinVar contains an entry for this variant (Variation ID: 1474180). Variants that disrupt the consensus splice site are a relatively common cause of aberrant splicing (PMID: 17576681, 9536098). Algorithms developed to predict the effect of sequence changes on RNA splicing suggest that this variant is not likely to affect RNA splicing. In summary, the available evidence is currently insufficient to determine the role of this variant in disease. Therefore, it has been classified as a Variant of Uncertain Significance.

Literature cited by the submitters: PubMed 17576681; PubMed 9536098.

NM_014444.5(TUBGCP4):c.1596+3C>T

Gene: TUBGCP4 (tubulin gamma complex component 4; plus strand). Cytogenetic location: 15q15.3.
Variant type: single nucleotide variant.
Coding change: c.1596+3C>T on transcript NM_014444.5 (MANE Select); 3 bases into the intron after coding-DNA position 1596, C replaced by T.
Molecular consequence: intron variant.
Genome position (GRCh38, 1-based): chr15:43,400,224, C>T. VCF-style: chr15-43400224-C-T. GRCh37 (hg19) VCF-style: chr15-43692422-C-T.
Other names: c.1599+3C>T (NM_001286414.3).
Identifiers: ClinVar variation 1474180 (VCV001474180.6), dbSNP rs2142876033, ClinGen allele CA2573150733.